The following is an entry in ClinVar:

NM_001184.4(ATR):c.33G>T (p.Met11Ile)

Genes: ATR (ATR checkpoint kinase; minus strand), LOC129937703 (ATAC-STARR-seq lymphoblastoid active region 20643; plus strand). Cytogenetic location: 3q23.
Variant type: single nucleotide variant.
Coding change: c.33G>T on transcript NM_001184.4 (MANE Select); coding-DNA position 33, G replaced by T.
Protein change: p.Met11Ile; replaces methionine 11 with isoleucine.
Molecular consequence: missense variant.
Genome position (GRCh38, 1-based): chr3:142,578,672, C>A on the plus strand (G>T on the coding strand, the complement: ATR is on the minus strand). VCF-style: chr3-142578672-C-A. GRCh37 (hg19) VCF-style: chr3-142297514-C-A.
Other names: c.33G>T, p.Met11Ile (NM_001354579.2); short protein forms M11I.
Identifiers: ClinVar variation 2981928 (VCV002981928.3), dbSNP rs2108512693, ClinGen allele CA354795765.

ClinVar aggregate classification (germline): Uncertain significance (1 of 4 stars; one submission).

Submission:

Labcorp Genetics (formerly Invitae), Labcorp
Classification: Uncertain significance. Last evaluated: 2023-04-07. Review status: criteria provided, single submitter. Criteria: Invitae Variant Classification Sherloc (09022015). Collection method: clinical testing. Allele origin: germline.
Comment: In summary, the available evidence is currently insufficient to determine the role of this variant in disease. Therefore, it has been classified as a Variant of Uncertain Significance. An algorithm developed to predict the effect of missense changes on protein structure and function (PolyPhen-2) suggests that this variant is likely to be tolerated. This variant has not been reported in the literature in individuals affected with ATR-related conditions. This variant is not present in population databases (gnomAD no frequency). This sequence change replaces methionine, which is neutral and non-polar, with isoleucine, which is neutral and non-polar, at codon 11 of the ATR protein (p.Met11Ile).